The following is an entry in ClinVar:

NM_022765.4(MICAL1):c.2621T>A (p.Phe874Tyr)

Gene: MICAL1 (microtubule associated monooxygenase, calponin and LIM domain containing 1; minus strand). Cytogenetic location: 6q21.
Variant type: single nucleotide variant.
Coding change: c.2621T>A on transcript NM_022765.4 (MANE Select); coding-DNA position 2621, T replaced by A.
Protein change: p.Phe874Tyr; replaces phenylalanine 874 with tyrosine.
Molecular consequence: missense variant.
Genome position (GRCh38, 1-based): chr6:109,445,823, A>T on the plus strand (T>A on the coding strand, the complement: MICAL1 is on the minus strand). VCF-style: chr6-109445823-A-T. GRCh37 (hg19) VCF-style: chr6-109767026-A-T.
Other names: c.2363T>A, p.Phe788Tyr (NM_001159291.2); c.2678T>A, p.Phe893Tyr (NM_001286613.2); short protein forms F788Y, F874Y, F893Y.
Identifiers: ClinVar variation 2975375 (VCV002975375.3), dbSNP rs1219837301, ClinGen allele CA365222762.

ClinVar aggregate classification (germline): Uncertain significance (1 of 4 stars; one submission).

gnomAD v4.1: 1 of 1,610,864 alleles (0.000062%); highest among the groups gnomAD compares: African/African-American, 0.0013%; no homozygotes.

Submission:

Labcorp Genetics (formerly Invitae), Labcorp
Classification: Uncertain significance. Last evaluated: 2023-02-23. Review status: criteria provided, single submitter. Criteria: Invitae Variant Classification Sherloc (09022015). Collection method: clinical testing. Allele origin: germline.
Comment: This variant is not present in population databases (gnomAD no frequency). In summary, the available evidence is currently insufficient to determine the role of this variant in disease. Therefore, it has been classified as a Variant of Uncertain Significance. An algorithm developed to predict the effect of missense changes on protein structure and function (PolyPhen-2) suggests that this variant is likely to be tolerated. This variant has not been reported in the literature in individuals affected with MICAL1-related conditions. This sequence change replaces phenylalanine, which is neutral and non-polar, with tyrosine, which is neutral and polar, at codon 893 of the MICAL1 protein (p.Phe893Tyr).